The following is an entry in ClinVar:

ClinVar aggregate classification (germline): Uncertain significance (1 of 4 stars; one submission).

Submission:

CeGaT Center for Human Genetics Tuebingen
Classification: Uncertain significance. Last evaluated: 2022-05-01. Review status: criteria provided, single submitter. Criteria: CeGaT Center For Human Genetics Tuebingen Variant Classification Criteria Version 2. Collection method: clinical testing. Allele origin: germline. Affected: yes. Observed: 1 variant allele.
Comment: ATP8A2: PM2:Supporting, PP3

NM_016529.6(ATP8A2):c.2162T>G (p.Leu721Trp)

Gene: ATP8A2 (ATPase phospholipid transporting 8A2). Cytogenetic location: 13q12.13.
Variant type: single nucleotide variant.
Coding change: c.2162T>G on transcript NM_016529.6 (MANE Select); coding-DNA position 2162, T replaced by G.
Protein change: p.Leu721Trp; replaces leucine 721 with tryptophan.
Molecular consequence: missense variant.
Genome position (GRCh38, 1-based): chr13:25,589,650, T>G. VCF-style: chr13-25589650-T-G. GRCh37 (hg19) VCF-style: chr13-26163788-T-G.
Other names: c.2042T>G, p.Leu681Trp (NM_001313741.1); short protein forms L681W, L721W.
Identifiers: ClinVar variation 1694696 (VCV001694696.31), dbSNP rs2138293000, ClinGen allele CA387615777.